The following is an entry in ClinVar:

ClinVar aggregate classification (germline): Uncertain significance. Review status: criteria provided, multiple submitters, no conflicts (2 of 4 stars). 2 submissions from 2 submitters: Uncertain significance (2). Last evaluated 2025-12-18.

Conditions:
Hereditary pheochromocytoma and paraganglioma. Also called: Hereditary pheochromocytoma-paraganglioma; Hereditary paragangliomas and pheochromocytomas; Hereditary Paraganglioma-Pheochromocytoma Syndromes. Identifiers: Orphanet 29072, MedGen C4274332, MONDO:0017366.
Hereditary cancer-predisposing syndrome. Also called: Neoplastic Syndromes, Hereditary; Tumor predisposition; Hereditary Cancer Syndrome; Hereditary neoplastic syndrome. Identifiers: Orphanet 140162, MedGen C0027672, MeSH D009386, MONDO:0015356.

Submissions (2):

Labcorp Genetics (formerly Invitae), Labcorp
Classification: Uncertain significance for Hereditary pheochromocytoma and paraganglioma. Last evaluated: 2025-12-18. Review status: criteria provided, single submitter. Criteria: Invitae Variant Classification Sherloc (09022015). Collection method: clinical testing. Allele origin: germline.
Comment: This sequence change replaces phenylalanine, which is neutral and non-polar, with serine, which is neutral and polar, at codon 143 of the SDHAF2 protein (p.Phe143Ser). This variant is not present in population databases (gnomAD no frequency). This variant has not been reported in the literature in individuals affected with SDHAF2-related conditions. ClinVar contains an entry for this variant (Variation ID: 1739422). An algorithm developed to predict the effect of missense changes on protein structure and function (PolyPhen-2) suggests that this variant is likely to be disruptive. In summary, the available evidence is currently insufficient to determine the role of this variant in disease. Therefore, it has been classified as a Variant of Uncertain Significance.

Ambry Genetics
Classification: Uncertain significance for Hereditary cancer-predisposing syndrome. Last evaluated: 2022-06-15. Review status: criteria provided, single submitter. Criteria: Ambry Variant Classification Scheme 2023. Collection method: clinical testing. Allele origin: germline.
Comment: The p.F143S variant (also known as c.428T>C), located in coding exon 4 of the SDHAF2 gene, results from a T to C substitution at nucleotide position 428. The phenylalanine at codon 143 is replaced by serine, an amino acid with highly dissimilar properties. This amino acid position is conserved. In addition, this alteration is predicted to be deleterious by in silico analysis. Since supporting evidence is limited at this time, the clinical significance of this alteration remains unclear.

NM_017841.4(SDHAF2):c.428T>C (p.Phe143Ser)

Gene: SDHAF2 (succinate dehydrogenase complex assembly factor 2; plus strand). Cytogenetic location: 11q12.2.
Variant type: single nucleotide variant.
Coding change: c.428T>C on transcript NM_017841.4 (MANE Select); coding-DNA position 428, T replaced by C.
Protein change: p.Phe143Ser; replaces phenylalanine 143 with serine.
Molecular consequence: missense variant.
Genome position (GRCh38, 1-based): chr11:61,445,998, T>C. VCF-style: chr11-61445998-T-C. GRCh37 (hg19) VCF-style: chr11-61213470-T-C.
Other names: short protein forms F143S.
Identifiers: ClinVar variation 1739422 (VCV001739422.3), dbSNP rs2540133058, ClinGen allele CA380685371.